The following is an entry in ClinVar:

NM_001001563.5(TIMM50):c.614T>C (p.Ile205Thr)

Gene: TIMM50 (translocase of inner mitochondrial membrane 50; plus strand). Cytogenetic location: 19q13.2.
Variant type: single nucleotide variant.
Coding change: c.614T>C on transcript NM_001001563.5 (MANE Select); coding-DNA position 614, T replaced by C.
Protein change: p.Ile205Thr; replaces isoleucine 205 with threonine.
Molecular consequence: missense variant.
Genome position (GRCh38, 1-based): chr19:39,486,413, T>C. VCF-style: chr19-39486413-T-C. GRCh37 (hg19) VCF-style: chr19-39977053-T-C.
Other names: c.275T>C, p.Ile92Thr (NM_001329559.2); short protein forms I205T, I92T.
Identifiers: ClinVar variation 1949010 (VCV001949010.4), dbSNP rs375379450, ClinGen allele CA9431916.
Genomic context (GRCh38, chr19:39,486,413, plus strand): 5'-CCAGGGCTCAGCCTGACCTTTTCTCGCTCCCTTCCCACCCCCAGACTGCGTTTCCACTCA[T>C]TGATAGTGTGGACCCCCATGGCTTCATCTCCTACCGCCTATTCCGGGACGCCACAAGATA-3'
Protein context (NP_001001563.2, residues 195-215): SETGMTAFPL[Ile205Thr]DSVDPHGFIS

ClinVar aggregate classification (germline): Uncertain significance (1 of 4 stars; one submission).

Allele frequency attached by ClinVar (database versions not stated): gnomAD exomes below 0.00001; ExAC 0.00001; gnomAD 0.00001; TOPMed 0.00001; ESP Exome Variant Server 0.00008.
gnomAD v4.1: 2 of 1,614,008 alleles (0.00012%); highest among the groups gnomAD compares: Non-Finnish European, 0.00017%; no homozygotes.

Submission:

Labcorp Genetics (formerly Invitae), Labcorp
Classification: Uncertain significance. Last evaluated: 2022-01-03. Review status: criteria provided, single submitter. Criteria: Invitae Variant Classification Sherloc (09022015). Collection method: clinical testing. Allele origin: germline.
Comment: This sequence change replaces isoleucine, which is neutral and non-polar, with threonine, which is neutral and polar, at codon 308 of the TIMM50 protein (p.Ile308Thr). This variant is present in population databases (rs375379450, gnomAD 0.0009%). This variant has not been reported in the literature in individuals affected with TIMM50-related conditions. Algorithms developed to predict the effect of missense changes on protein structure and function are either unavailable or do not agree on the potential impact of this missense change (SIFT: "Not Available"; PolyPhen-2: "Possibly Damaging"; Align-GVGD: "Not Available"). In summary, the available evidence is currently insufficient to determine the role of this variant in disease. Therefore, it has been classified as a Variant of Uncertain Significance.